The following is an entry in ClinVar:

NM_000322.5(PRPH2):c.470A>G (p.Asp157Gly)

Gene: PRPH2 (peripherin 2; minus strand). Cytogenetic location: 6p21.1.
Variant type: single nucleotide variant.
Coding change: c.470A>G on transcript NM_000322.5 (MANE Select); coding-DNA position 470, A replaced by G.
Protein change: p.Asp157Gly; replaces aspartic acid 157 with glycine.
Molecular consequence: missense variant.
Genome position (GRCh38, 1-based): chr6:42,721,865, T>C on the plus strand (A>G on the coding strand, the complement: PRPH2 is on the minus strand). VCF-style: chr6-42721865-T-C. GRCh37 (hg19) VCF-style: chr6-42689603-T-C.
Other names: short protein forms D157G.
Identifiers: ClinVar variation 2069820 (VCV002069820.4), dbSNP rs2548309652, ClinGen allele CA364137488.

ClinVar aggregate classification (germline): Likely pathogenic (1 of 4 stars; one submission).

Conditions:
PRPH2-related disorder. Also called: PRPH2-related condition; PRPH2-related disorders. Identifiers: MedGen CN239395.

Submission:

Labcorp Genetics (formerly Invitae), Labcorp
Classification: Likely pathogenic for PRPH2-related disorder. Last evaluated: 2025-02-16. Review status: criteria provided, single submitter. Criteria: Invitae Variant Classification Sherloc (09022015). Collection method: clinical testing. Allele origin: germline.
Comment: This sequence change replaces aspartic acid, which is acidic and polar, with glycine, which is neutral and non-polar, at codon 157 of the PRPH2 protein (p.Asp157Gly). This variant is not present in population databases (gnomAD no frequency). This missense change has been observed in individual(s) with adult vitelliform macular dystrophy (internal data). ClinVar contains an entry for this variant (Variation ID: 2069820). Invitae Evidence Modeling of protein sequence and biophysical properties (such as structural, functional, and spatial information, amino acid conservation, physicochemical variation, residue mobility, and thermodynamic stability) indicates that this missense variant is expected to disrupt PRPH2 protein function with a positive predictive value of 95%. This variant disrupts the p.Asp157 amino acid residue in PRPH2. Other variant(s) that disrupt this residue have been determined to be pathogenic (PMID: 8994365, 17504850, 32531846). This suggests that this residue is clinically significant, and that variants that disrupt this residue are likely to be disease-causing. In summary, the currently available evidence indicates that the variant is pathogenic, but additional data are needed to prove that conclusively. Therefore, this variant has been classified as Likely Pathogenic.

Literature cited by the submitters: PubMed 8994365; PubMed 17504850; PubMed 32531846.